The following is an entry in ClinVar:

ClinVar aggregate classification (germline): Benign. Review status: criteria provided, multiple submitters, no conflicts (2 of 4 stars). 13 submissions from 11 submitters: Benign (11). 2 of the submissions do not count toward it. Last evaluated 2026-03-15.

Conditions:
Neuromuscular disease caused by qualitative or quantitative defects of dysferlin. Also called: Qualitative or quantitative defects of dysferlin; Dysferlinopathy. Identifiers: Orphanet 207073, MedGen C2931687, MONDO:0016145.
Autosomal recessive limb-girdle muscular dystrophy type 2B (LGMDR2). Also called: MUSCULAR DYSTROPHY, LIMB-GIRDLE, TYPE 3; Limb-girdle muscular dystrophy, type 2B; Limb-Girdle Muscular Dystrophy Type 2B (LGMD2B); MUSCULAR DYSTROPHY, LIMB-GIRDLE, AUTOSOMAL RECESSIVE 2. Identifiers: Orphanet 268, MedGen C1850889, MONDO:0009676, OMIM 253601.
Miyoshi muscular dystrophy 1 (MMD1). Identifiers: Orphanet 45448, MedGen C4551973, MONDO:0024545, OMIM 254130.
Distal myopathy with anterior tibial onset. Identifiers: Orphanet 178400, MedGen C1847532, MONDO:0011721, OMIM 606768.

Allele frequency attached by ClinVar (database versions not stated): 1000 Genomes Project 0.87819; gnomAD exomes 0.88396 and 0.89096; ExAC 0.88508; 1000 Genomes Project 30x 0.88538; gnomAD 0.91054 and 0.91575; TOPMed 0.91625; ESP Exome Variant Server 0.92304.
gnomAD v4.1: 1,440,160 of 1,613,414 alleles (89%); highest among the groups gnomAD compares: African/African-American, 97%; 644,151 homozygotes.

Submissions (13):

Women's Health and Genetics/Laboratory Corporation of America, LabCorp
Classification: Benign. Last evaluated: 2026-03-15. Review status: criteria provided, single submitter. Criteria: LabCorp Variant Classification Summary - May 2015. Collection method: clinical testing. Allele origin: germline.

Labcorp Genetics (formerly Invitae), Labcorp
Classification: Benign for Neuromuscular disease caused by qualitative or quantitative defects of dysferlin. Last evaluated: 2026-02-04. Review status: criteria provided, single submitter. Criteria: Invitae Variant Classification Sherloc (09022015). Collection method: clinical testing. Allele origin: germline.

Blueprint Genetics
Classification: Benign. Last evaluated: 2024-11-26. Review status: criteria provided, single submitter. Criteria: ACMG Guidelines, 2015. Collection method: clinical testing. Allele origin: germline.

Genome-Nilou Lab
Classification: Benign for Autosomal recessive limb-girdle muscular dystrophy type 2B. Last evaluated: 2021-07-30. Review status: criteria provided, single submitter. Criteria: ACMG Guidelines, 2015. Collection method: clinical testing. Allele origin: germline. Affected: no.

Genome-Nilou Lab
Classification: Benign for Distal myopathy with anterior tibial onset. Last evaluated: 2021-07-30. Review status: criteria provided, single submitter. Criteria: ACMG Guidelines, 2015. Collection method: clinical testing. Allele origin: germline. Affected: no.

Genome-Nilou Lab
Classification: Benign for Miyoshi muscular dystrophy 1. Last evaluated: 2021-06-10. Review status: criteria provided, single submitter. Criteria: ACMG Guidelines, 2015. Collection method: clinical testing. Allele origin: germline. Affected: no.

Laboratory for Molecular Medicine, Mass General Brigham Personalized Medicine
Classification: Benign. Last evaluated: 2016-04-25. Review status: criteria provided, single submitter. Criteria: LMM Criteria. Collection method: clinical testing. Allele origin: germline.
Comment: Variant identified in a genome or exome case(s) and assessed due to predicted null impact of the variant or pathogenic assertions in the literature or databases. Disclaimer: This variant has not undergone full assessment. The following are preliminary notes: Frequency in ESP (all): 12005/13006=92.3%

GeneDx
Classification: Benign. Last evaluated: 2016-01-05. Review status: criteria provided, single submitter. Criteria: GeneDx Variant Classification (06012015). Collection method: clinical testing. Allele origin: germline. Affected: yes.
Comment: This variant is considered likely benign or benign based on one or more of the following criteria: it is a conservative change, it occurs at a poorly conserved position in the protein, it is predicted to be benign by multiple in silico algorithms, and/or has population frequency not consistent with disease.

Eurofins Ntd Llc (ga)
Classification: Benign. Last evaluated: 2015-04-24. Review status: criteria provided, single submitter. Criteria: EGL Classification Definitions 2015. Collection method: clinical testing. Allele origin: germline. Observed: 200 variant alleles, 39 heterozygotes, 161 homozygotes.

Breakthrough Genomics
Classification: Benign. Review status: criteria provided, single submitter. Criteria: ACMG Guidelines, 2015. Collection method: not provided. Allele origin: germline. Inheritance: Autosomal recessive inheritance. Affected: yes.

PreventionGenetics, part of Exact Sciences
Classification: Benign. Review status: criteria provided, single submitter. Criteria: ACMG Guidelines, 2015. Collection method: clinical testing. Allele origin: germline.

Clinical Genetics, Academic Medical Center
Classification: Benign. Review status: no assertion criteria provided. Collection method: clinical testing. Allele origin: germline. Affected: yes. Study: VKGL Data-share Consensus. Not counted in ClinVar's aggregate classification.

Diagnostic Laboratory, Department of Genetics, University Medical Center Groningen
Classification: Benign. Review status: no assertion criteria provided. Collection method: clinical testing. Allele origin: germline. Affected: yes. Study: VKGL Data-share Consensus. Not counted in ClinVar's aggregate classification.

NM_001130987.2(DYSF):c.5885-16T>C

Gene: DYSF (dysferlin; plus strand). Cytogenetic location: 2p13.2.
Variant type: single nucleotide variant.
Coding change: c.5885-16T>C on transcript NM_001130987.2 (MANE Select); 16 bases into the intron before coding-DNA position 5885, T replaced by C.
Molecular consequence: intron variant.
Genome position (GRCh38, 1-based): chr2:71,679,041, T>C. VCF-style: chr2-71679041-T-C. GRCh37 (hg19) VCF-style: chr2-71906171-T-C.
Other names: c.5861-16T>C (NM_001130979.2); c.5882-16T>C (NM_001130981.2); c.5819-16T>C (NM_001130980.2); c.5831-16T>C (NM_001130978.2); c.5768-16T>C (NM_003494.4); c.5789-16T>C (NM_001130977.2); c.5726-16T>C (NM_001130976.2); c.5864-16T>C (NM_001130982.2); and 5 more.
Identifiers: ClinVar variation 94346 (VCV000094346.25), dbSNP rs1863812, ClinGen allele CA147771.